The following is an entry in ClinVar:

NM_018406.7(MUC4):c.15960C>A (p.Cys5320Ter)

Gene: MUC4 (mucin 4, cell surface associated). Cytogenetic location: 3q29.
Variant type: single nucleotide variant.
Coding change: c.15960C>A on transcript NM_018406.7 (MANE Select); coding-DNA position 15960, C replaced by A.
Protein change: p.Cys5320Ter; replaces cysteine 5320 with a stop codon.
Molecular consequence: nonsense.
Genome position (GRCh38, 1-based): chr3:195,748,976, G>T on the plus strand (C>A on the coding strand, the complement: MUC4 is on the minus strand). VCF-style: chr3-195748976-G-T. GRCh37 (hg19) VCF-style: chr3-195475847-G-T.
Other names: c.3252C>A, p.Cys1084Ter (NM_004532.6); c.3099C>A, p.Cys1033Ter (NM_138297.5); short protein forms C1033*, C1084*, C5320*.
Identifiers: ClinVar variation 4882187 (VCV004882187.2).
Genomic context (GRCh38, chr3:195,748,976, plus strand): 5'-ACTGGGCAGGTGCTGGCACTGGCCTCCATGGTCACAGTAGCCCCTACTGCACGGGGACAC[G>T]CAGGTGAAGCCGCTCTGGGGGCTGTAGACCAGGTCGTAGCCCTTGTAGCCATCGCATCTG-3'

ClinVar aggregate classification (germline): Uncertain significance (1 of 4 stars; one submission).

gnomAD v4.1: 2 of 1,609,476 alleles (0.00012%); highest among the groups gnomAD compares: African/African-American, 0.0013%; no homozygotes.

Submission:

Dasa
Classification: Uncertain significance. Last evaluated: 2025-11-07. Review status: criteria provided, single submitter. Criteria: DASA Assertion Criteria. Collection method: clinical testing. Allele origin: germline.
Comment: NM_018406.7(MUC4):c.15960C>A (p.Cys5320*) is a nonsense variant in MUC4 predicted to introduce a premature termination codon. This variant is rare in population databases. The currently available literature and clinical evidence are not sufficient to establish a definitive association between this variant and the reported condition. Therefore, this variant is classified as a variant of uncertain significance.